The following is an entry in ClinVar:

ClinVar aggregate classification (germline): Uncertain significance (1 of 4 stars; one submission).

Allele frequency attached by ClinVar (database versions not stated): gnomAD exomes below 0.00001.
gnomAD v4.1: 2 of 1,614,166 alleles (0.00012%); highest among the groups gnomAD compares: Non-Finnish European, 0.00017%; no homozygotes.

Submission:

Ambry Genetics
Classification: Uncertain significance. Last evaluated: 2021-07-08. Review status: criteria provided, single submitter. Criteria: Ambry Variant Classification Scheme 2023. Collection method: clinical testing. Allele origin: germline.
Comment: The p.R1120K variant (also known as c.3359G>A), located in coding exon 4 of the ALPK2 gene, results from a G to A substitution at nucleotide position 3359. The arginine at codon 1120 is replaced by lysine, an amino acid with highly similar properties. This amino acid position is conserved. In addition, this alteration is predicted to be tolerated by in silico analysis. Since supporting evidence is limited at this time, the clinical significance of this alteration remains unclear.

NM_052947.4(ALPK2):c.3359G>A (p.Arg1120Lys)

Gene: ALPK2 (alpha kinase 2; minus strand). Cytogenetic location: 18q21.31.
Variant type: single nucleotide variant.
Coding change: c.3359G>A on transcript NM_052947.4 (MANE Select); coding-DNA position 3359, G replaced by A.
Protein change: p.Arg1120Lys; replaces arginine 1120 with lysine.
Molecular consequence: missense variant.
Genome position (GRCh38, 1-based): chr18:58,536,828, C>T on the plus strand (G>A on the coding strand, the complement: ALPK2 is on the minus strand). VCF-style: chr18-58536828-C-T. GRCh37 (hg19) VCF-style: chr18-56204060-C-T.
Other names: short protein forms R1120K.
Identifiers: ClinVar variation 1730574 (VCV001730574.2), dbSNP rs2518876562, ClinGen allele CA402568547.